The following is an entry in ClinVar:

ClinVar aggregate classification (germline): Benign (1 of 4 stars; one submission).

Allele frequency attached by ClinVar (database versions not stated): 1000 Genomes Project 30x 0.00219; 1000 Genomes Project 0.00260.
gnomAD v4.1: 1,187 of 1,315,916 alleles (0.09%); highest among the groups gnomAD compares: South Asian, 1.4%; 18 homozygotes.

Submission:

CeGaT Center for Human Genetics Tuebingen
Classification: Benign. Last evaluated: 2022-10-01. Review status: criteria provided, single submitter. Criteria: CeGaT Center For Human Genetics Tuebingen Variant Classification Criteria Version 2. Collection method: clinical testing. Allele origin: germline. Affected: yes. Observed: 1 variant allele.
Comment: KCNQ2: BS1, BS2

NM_172107.4(KCNQ2):c.1248-75G>A

Gene: KCNQ2 (potassium voltage-gated channel subfamily Q member 2; minus strand). Cytogenetic location: 20q13.33.
Variant type: single nucleotide variant.
Coding change: c.1248-75G>A on transcript NM_172107.4 (MANE Select); 75 bases into the intron before coding-DNA position 1248, G replaced by A.
Molecular consequence: intron variant.
Genome position (GRCh38, 1-based): chr20:63,419,747, C>T on the plus strand (G>A on the coding strand, the complement: KCNQ2 is on the minus strand). VCF-style: chr20-63419747-C-T. GRCh37 (hg19) VCF-style: chr20-62051100-C-T.
Other names: c.1217+4430G>A (NM_004518.6); c.1247+4430G>A (NM_172108.5, NM_172106.3, NM_001382235.1).
Identifiers: ClinVar variation 2652531 (VCV002652531.24), dbSNP rs377643989, ClinGen allele CA317437238.